The following is an entry in ClinVar:

NM_001415.4(EIF2S3):c.133+8T>C

Gene: EIF2S3 (eukaryotic translation initiation factor 2 subunit gamma; plus strand). Cytogenetic location: Xp22.11.
Variant type: single nucleotide variant.
Coding change: c.133+8T>C on transcript NM_001415.4 (MANE Select); 8 bases into the intron after coding-DNA position 133, T replaced by C.
Molecular consequence: intron variant.
Genome position (GRCh38, 1-based): chrX:24,055,686, T>C. VCF-style: chrX-24055686-T-C. GRCh37 (hg19) VCF-style: chrX-24073803-T-C.
Identifiers: ClinVar variation 210934 (VCV000210934.14), dbSNP rs377239918, ClinGen allele CA207159.
Genomic context (GRCh38, chrX:24,055,686, plus strand): 5'-GTTGACGCCACTTTCACACGAAGTTATCAGCAGACAAGCCACAATTAACATAGGTAAGAG[T>C]AACTTAAGAGACCTAACCTTGGTCTCCAACAATTAATTTTAACCTCACTTTTTGTGTGAT-3'

ClinVar aggregate classification (germline): Benign/Likely benign. Review status: criteria provided, multiple submitters, no conflicts (2 of 4 stars). 4 submissions from 4 submitters: Benign (1); Likely benign (2). 1 of the submissions does not count toward it. Last evaluated 2024-06-28.

Conditions:
EIF2S3-related disorder. Also called: EIF2S3-related condition.

Allele frequency attached by ClinVar (database versions not stated): TOPMed 0.00054; gnomAD 0.00057 and 0.00060; gnomAD exomes 0.00065 and 0.00118; ExAC 0.00084; ESP Exome Variant Server 0.00104.
gnomAD v4.1: 1,334 of 1,206,576 alleles (0.11%); highest among the groups gnomAD compares: Non-Finnish European, 0.14%; 1 homozygote.

Submissions (4):

Blueprint Genetics
Classification: Likely benign. Last evaluated: 2024-06-28. Review status: criteria provided, single submitter. Criteria: ACMG Guidelines, 2015. Collection method: clinical testing. Allele origin: germline.

Labcorp Genetics (formerly Invitae), Labcorp
Classification: Likely benign. Last evaluated: 2019-12-31. Review status: criteria provided, single submitter. Criteria: Invitae Variant Classification Sherloc (09022015). Collection method: clinical testing. Allele origin: germline.

Genetic Services Laboratory, University of Chicago
Classification: Benign. Last evaluated: 2017-12-04. Review status: criteria provided, single submitter. Criteria: ACMG Guidelines, 2015. Collection method: clinical testing. Allele origin: germline. Affected: no.

PreventionGenetics, part of Exact Sciences
Classification: Likely benign for EIF2S3-related condition. Last evaluated: 2024-01-30. Review status: no assertion criteria provided. Collection method: clinical testing. Allele origin: germline. Not counted in ClinVar's aggregate classification.
Comment: This variant is classified as likely benign based on ACMG/AMP sequence variant interpretation guidelines (Richards et al. 2015 PMID: 25741868, with internal and published modifications).